The following is an entry in ClinVar:

NM_024422.6(DSC2):c.530G>C (p.Gly177Ala)

Gene: DSC2 (desmocollin 2; minus strand). Cytogenetic location: 18q12.1.
Variant type: single nucleotide variant.
Coding change: c.530G>C on transcript NM_024422.6 (MANE Select); coding-DNA position 530, G replaced by C.
Protein change: p.Gly177Ala; replaces glycine 177 with alanine.
Molecular consequence: missense variant.
Genome position (GRCh38, 1-based): chr18:31,089,539, C>G on the plus strand (G>C on the coding strand, the complement: DSC2 is on the minus strand). VCF-style: chr18-31089539-C-G. GRCh37 (hg19) VCF-style: chr18-28669502-C-G.
Other names: c.101G>C, p.Gly34Ala (NM_001406506.1, NM_001406507.1); c.530G>C, p.Gly177Ala (NM_004949.5); short protein forms G34A, G177A.
Identifiers: ClinVar variation 2747366 (VCV002747366.3), dbSNP rs1229263461, ClinGen allele CA402113653.

ClinVar aggregate classification (germline): Uncertain significance (1 of 4 stars; one submission).

Conditions:
Arrhythmogenic right ventricular dysplasia 11. Also called: ARRHYTHMOGENIC RIGHT VENTRICULAR DYSPLASIA, FAMILIAL, 11; Arrhythmogenic Right Ventricular Dysplasia/Cardiomyopathy11; Arrhythmogenic right ventricular dysplasia 11 with mild palmoplantar keratoderma and woolly hair. Identifiers: MedGen C1864850, MONDO:0012506, OMIM 610476.

Submission:

Labcorp Genetics (formerly Invitae), Labcorp
Classification: Uncertain significance for Arrhythmogenic right ventricular dysplasia 11. Last evaluated: 2023-07-27. Review status: criteria provided, single submitter. Criteria: Invitae Variant Classification Sherloc (09022015). Collection method: clinical testing. Allele origin: germline.
Comment: This variant has not been reported in the literature in individuals affected with DSC2-related conditions. This variant is not present in population databases (gnomAD no frequency). This sequence change replaces glycine, which is neutral and non-polar, with alanine, which is neutral and non-polar, at codon 177 of the DSC2 protein (p.Gly177Ala). Advanced modeling of protein sequence and biophysical properties (such as structural, functional, and spatial information, amino acid conservation, physicochemical variation, residue mobility, and thermodynamic stability) performed at Invitae indicates that this missense variant is expected to disrupt DSC2 protein function. In summary, the available evidence is currently insufficient to determine the role of this variant in disease. Therefore, it has been classified as a Variant of Uncertain Significance.